The following is an entry in ClinVar:

NM_000023.4(SGCA):c.779_782dup (p.Pro262fs)

Gene: SGCA (sarcoglycan alpha; plus strand). Cytogenetic location: 17q21.33.
Variant type: Duplication.
Coding change: c.779_782dup on transcript NM_000023.4 (MANE Select); coding-DNA positions 779 to 782, 4 bases duplicated (AGGT; older notation c.779_782dupAGGT).
Protein change: p.Pro262fs; shifts the reading frame from proline 262.
Molecular consequence: frameshift variant. On other transcripts: intron variant (1).
Genome position (GRCh38, 1-based): chr17:50,170,174-50,170,177, AGGT duplicated. VCF-style (leftmost placement, unchanged base first): chr17-50170173-G-GAGGT. GRCh37 (hg19) VCF-style: chr17-48247534-G-GAGGT.
Other names: c.585-466_585-463dup (NM_001135697.3); short protein forms P262fs.
Identifiers: ClinVar variation 4817878 (VCV004817878.1).

ClinVar aggregate classification (germline): Likely pathogenic (1 of 4 stars; one submission).

Conditions:
Autosomal recessive limb-girdle muscular dystrophy type 2D (LGMDR3). Also called: ADHALINOPATHY, PRIMARY; DUCHENNE-LIKE AUTOSOMAL RECESSIVE MUSCULAR DYSTROPHY, TYPE 2; MUSCULAR DYSTROPHY, LIMB-GIRDLE, AUTOSOMAL RECESSIVE 3. Identifiers: Orphanet 62, MedGen C2936332, MONDO:0011968, OMIM 608099. Disease mechanism: Affects gamma-sarcoglycan and also disrupts the integrity of the entire sarcoglycan complex..

Submission:

Natera, Inc.
Classification: Likely pathogenic for Limb-girdle muscular dystrophy type 2D. Last evaluated: 2024-07-29. Review status: criteria provided, single submitter. Criteria: Natera Variant Classification Schema (03/2026). Collection method: clinical testing. Allele origin: germline.
Comment: The c.779_782dup variant in SGCA is a frameshift variant predicted to shift the reading frame beginning at codon 262 and leads to a stop codon 6 codons downstream. This variant is expected to result in nonsense mediated decay, truncation, or a dysfunctional protein product. This variant is rare in the general population with a frequency below the threshold expected for the associated phenotype(s). Given the available evidence, this variant is classified as Likely Pathogenic.